The following is an entry in ClinVar:

NM_001105206.3(LAMA4):c.2194G>C (p.Gly732Arg)

Gene: LAMA4 (laminin subunit alpha 4; minus strand). Cytogenetic location: 6q21.
Variant type: single nucleotide variant.
Coding change: c.2194G>C on transcript NM_001105206.3 (MANE Select); coding-DNA position 2194, G replaced by C.
Protein change: p.Gly732Arg; replaces glycine 732 with arginine.
Molecular consequence: missense variant.
Genome position (GRCh38, 1-based): chr6:112,148,316, C>G on the plus strand (G>C on the coding strand, the complement: LAMA4 is on the minus strand). VCF-style: chr6-112148316-C-G. GRCh37 (hg19) VCF-style: chr6-112469518-C-G.
Other names: c.2173G>C, p.Gly725Arg (NM_001105207.3, NM_002290.5); short protein forms G732R, G725R.
Identifiers: ClinVar variation 2976434 (VCV002976434.3), dbSNP rs1780159956, ClinGen allele CA365383742.

ClinVar aggregate classification (germline): Uncertain significance (1 of 4 stars; one submission).

Conditions:
Dilated cardiomyopathy 1JJ (CMD1JJ). Identifiers: Orphanet 154, MedGen C3808935, MONDO:0014095, OMIM 615235.

Submission:

Labcorp Genetics (formerly Invitae), Labcorp
Classification: Uncertain significance for Dilated cardiomyopathy 1JJ. Last evaluated: 2022-12-05. Review status: criteria provided, single submitter. Criteria: Invitae Variant Classification Sherloc (09022015). Collection method: clinical testing. Allele origin: germline.
Comment: This sequence change replaces glycine, which is neutral and non-polar, with arginine, which is basic and polar, at codon 725 of the LAMA4 protein (p.Gly725Arg). In summary, the available evidence is currently insufficient to determine the role of this variant in disease. Therefore, it has been classified as a Variant of Uncertain Significance. Algorithms developed to predict the effect of missense changes on protein structure and function (SIFT, PolyPhen-2, Align-GVGD) all suggest that this variant is likely to be tolerated. This variant has not been reported in the literature in individuals affected with LAMA4-related conditions. This variant is not present in population databases (gnomAD no frequency).